The following is an entry in ClinVar:

ClinVar aggregate classification (germline): Conflicting classifications of pathogenicity. Review status: criteria provided, conflicting classifications (1 of 4 stars). 4 submissions from 4 submitters: Uncertain significance (2); Likely benign (2). Last evaluated 2025-11-23.

Conditions:
Charcot-Marie-Tooth disease. Also called: Charcot-Marie-Tooth Neuropathy; Charcot-Marie-Tooth Hereditary Neuropathy. Identifiers: Orphanet 166, MedGen C0007959, MONDO:0015626.
Charcot-Marie-Tooth disease axonal type 2P. Also called: CHARCOT-MARIE-TOOTH DISEASE, AXONAL, TYPE 2G; CMT 2G; CHARCOT-MARIE-TOOTH NEUROPATHY, TYPE 2P; Charcot-Marie-Tooth Neuropathy Type 2G. Identifiers: Orphanet 300319, Orphanet 99941, MedGen C3280797, MONDO:0013753, OMIM 614436.

Allele frequency attached by ClinVar (database versions not stated): gnomAD exomes 0.00013 and 0.00017; TOPMed 0.00013; ESP Exome Variant Server 0.00015; gnomAD 0.00015 and 0.00021; ExAC 0.00018; 1000 Genomes Project 30x 0.00172; 1000 Genomes Project 0.00180.
gnomAD v4.1: 248 of 1,613,710 alleles (0.015%); highest among the groups gnomAD compares: East Asian, 0.056%; no homozygotes.

Submissions (4):

Labcorp Genetics (formerly Invitae), Labcorp
Classification: Likely benign for Charcot-Marie-Tooth disease axonal type 2P. Last evaluated: 2025-11-23. Review status: criteria provided, single submitter. Criteria: Invitae Variant Classification Sherloc (09022015). Collection method: clinical testing. Allele origin: germline.

GeneDx
Classification: Uncertain significance. Last evaluated: 2024-09-09. Review status: criteria provided, single submitter. Criteria: GeneDx Variant Classification Process June 2021. Collection method: clinical testing. Allele origin: germline. Affected: yes.
Comment: Observed as a heterozygous variant in an individual with Charcot-Marie-Tooth disease (PMID: 32376792); In silico analysis indicates that this missense variant does not alter protein structure/function; This variant is associated with the following publications: (PMID: 32376792)

Illumina Laboratory Services, Illumina
Classification: Likely benign for Charcot-Marie-Tooth disease axonal type 2P. Last evaluated: 2018-01-13. Review status: criteria provided, single submitter. Criteria: ICSL Variant Classification Criteria 13 December 2019. Collection method: clinical testing. Allele origin: germline.
Comment: This variant was observed in the ICSL laboratory as part of a predisposition screen in an ostensibly healthy population. It had not been previously curated by ICSL or reported in the Human Gene Mutation Database (HGMD: prior to June 1st, 2018), and was therefore a candidate for classification through an automated scoring system. Utilizing variant allele frequency, disease prevalence and penetrance estimates, and inheritance mode, an automated score was calculated to assess if this variant is too frequent to cause the disease. Based on the score and internal cut-off values, a variant classified as likely benign is not then subjected to further curation. The score for this variant resulted in a classification of likely benign for this disease.

Molecular Genetics Laboratory, London Health Sciences Centre
Classification: Uncertain significance for Charcot-Marie-Tooth disease. Review status: criteria provided, single submitter. Criteria: ACMG Guidelines, 2015. Collection method: clinical testing. Allele origin: germline. Affected: yes.

NM_001005373.4(LRSAM1):c.1601C>T (p.Thr534Met)

Gene: LRSAM1 (leucine rich repeat and sterile alpha motif containing 1; plus strand). Cytogenetic location: 9q33.3.
Variant type: single nucleotide variant.
Coding change: c.1601C>T on transcript NM_001005373.4 (MANE Select); coding-DNA position 1601, C replaced by T.
Protein change: p.Thr534Met; replaces threonine 534 with methionine.
Molecular consequence: missense variant. On other transcripts: non-coding transcript variant (2), intron variant (1).
Genome position (GRCh38, 1-based): chr9:127,495,321, C>T. VCF-style: chr9-127495321-C-T. GRCh37 (hg19) VCF-style: chr9-130257600-C-T.
Other names: c.1601C>T, p.Thr534Met (NM_001005374.4, NM_001384142.1, NM_138361.5); c.1520C>T, p.Thr507Met (NM_001190723.3); c.812C>T, p.Thr271Met (NM_001384144.1); c.1600-643C>T (NM_001384143.1); short protein forms T534M, T507M, T271M.
Identifiers: ClinVar variation 380607 (VCV000380607.19), dbSNP rs141542114, ClinGen allele CA5247076.